The following is an entry in ClinVar:

ClinVar aggregate classification (germline): Uncertain significance. Review status: criteria provided, multiple submitters, no conflicts (2 of 4 stars). 4 submissions from 4 submitters: Uncertain significance (4). Last evaluated 2025-12-15.

Conditions:
Primary ciliary dyskinesia 23 (CILD23). Also called: CILIARY DYSKINESIA, PRIMARY, 23, WITH OR WITHOUT SITUS INVERSUS. Identifiers: Orphanet 244, MedGen C3809548, MONDO:0014193, OMIM 615451.
Primary ciliary dyskinesia. Also called: Ciliary dyskinesia. Identifiers: Orphanet 244, MedGen C0008780, MONDO:0016575, HP:0012265.

Allele frequency attached by ClinVar (database versions not stated): gnomAD 0.00016; TOPMed 0.00018; gnomAD exomes 0.00019; ExAC 0.00021.
gnomAD v4.1: 259 of 1,613,836 alleles (0.016%); highest among the groups gnomAD compares: Non-Finnish European, 0.02%; 1 homozygote.

Submissions (4):

Labcorp Genetics (formerly Invitae), Labcorp
Classification: Uncertain significance for Primary ciliary dyskinesia 23. Last evaluated: 2025-12-15. Review status: criteria provided, single submitter. Criteria: Invitae Variant Classification Sherloc (09022015). Collection method: clinical testing. Allele origin: germline.
Comment: This sequence change replaces valine, which is neutral and non-polar, with leucine, which is neutral and non-polar, at codon 762 of the ARMC4 protein (p.Val762Leu). This variant is present in population databases (rs201498403, gnomAD 0.04%). This variant has not been reported in the literature in individuals affected with ARMC4-related conditions. ClinVar contains an entry for this variant (Variation ID: 412254). An algorithm developed to predict the effect of missense changes on protein structure and function (PolyPhen-2) suggests that this variant is likely to be disruptive. In summary, the available evidence is currently insufficient to determine the role of this variant in disease. Therefore, it has been classified as a Variant of Uncertain Significance.

Ambry Genetics
Classification: Uncertain significance for Primary ciliary dyskinesia. Last evaluated: 2025-05-01. Review status: criteria provided, single submitter. Criteria: Ambry Variant Classification Scheme 2023. Collection method: clinical testing. Allele origin: germline.

Blueprint Genetics
Classification: Uncertain significance. Last evaluated: 2024-10-25. Review status: criteria provided, single submitter. Criteria: ACMG Guidelines, 2015. Collection method: clinical testing. Allele origin: germline.

CeGaT Center for Human Genetics Tuebingen
Classification: Uncertain significance. Last evaluated: 2023-03-01. Review status: criteria provided, single submitter. Criteria: CeGaT Center For Human Genetics Tuebingen Variant Classification Criteria Version 2. Collection method: clinical testing. Allele origin: germline. Affected: yes. Observed: 1 variant allele.

NM_018076.5(ODAD2):c.2284G>C (p.Val762Leu)

Gene: ODAD2 (outer dynein arm docking complex subunit 2; minus strand). Cytogenetic location: 10p12.1.
Variant type: single nucleotide variant.
Coding change: c.2284G>C on transcript NM_018076.5 (MANE Select); coding-DNA position 2284, G replaced by C.
Protein change: p.Val762Leu; replaces valine 762 with leucine.
Molecular consequence: missense variant.
Genome position (GRCh38, 1-based): chr10:27,935,221, C>G on the plus strand (G>C on the coding strand, the complement: ODAD2 is on the minus strand). VCF-style: chr10-27935221-C-G. GRCh37 (hg19) VCF-style: chr10-28224150-C-G.
Other names: c.2284G>C, p.Val762Leu (NM_001290020.2); c.859G>C, p.Val287Leu (NM_001290021.2); c.1360G>C, p.Val454Leu (NM_001312689.2); short protein forms V762L, V287L, V454L.
Identifiers: ClinVar variation 412254 (VCV000412254.35), dbSNP rs201498403, ClinGen allele CA5453234.
Genomic context (GRCh38, chr10:27,935,221, plus strand): 5'-CTCCCAAGGCCCCAACCACATTCACAAGTACTTCTTCAGGCTGATCTGTTAGAAGTCCCA[C>G]CAAGGTTTCAATGGCTTTGTATTCCCGAAACCTAAGTTCATCATAAGAAAGAGGAGAATT-3'
Protein context (NP_060546.2, residues 752-772): FREYKAIETL[Val762Leu]GLLTDQPEEV